The following is an entry in ClinVar:

ClinVar aggregate classification (germline): Likely benign. Review status: criteria provided, multiple submitters, no conflicts (2 of 4 stars). 4 submissions from 4 submitters: Likely benign (3). 1 of the submissions does not count toward it. Last evaluated 2025-02-16.

Conditions:
PKD1-related disorder. Also called: PKD1-related condition.

Allele frequency attached by ClinVar (database versions not stated): 1000 Genomes Project 0.00020; ESP Exome Variant Server 0.00031; 1000 Genomes Project 30x 0.00016; gnomAD 0.00017; TOPMed 0.00017; ExAC 0.00019.
gnomAD v4.1: 280 of 1,585,896 alleles (0.018%); highest among the groups gnomAD compares: Non-Finnish European, 0.021%; no homozygotes.

Submissions (4):

Laboratory of Genetics, Children's Clinical University Hospital Latvia
Classification: Likely benign. Last evaluated: 2025-02-16. Review status: criteria provided, single submitter. Criteria: ACMG Guidelines, 2015. Collection method: clinical testing. Allele origin: germline. Affected: yes.

Blueprint Genetics
Classification: Likely benign. Last evaluated: 2024-11-26. Review status: criteria provided, single submitter. Criteria: ACMG Guidelines, 2015. Collection method: clinical testing. Allele origin: germline.

CeGaT Center for Human Genetics Tuebingen
Classification: Likely benign. Last evaluated: 2022-10-01. Review status: criteria provided, single submitter. Criteria: CeGaT Center For Human Genetics Tuebingen Variant Classification Criteria Version 2. Collection method: clinical testing. Allele origin: germline. Affected: yes. Observed: 1 variant allele.
Comment: PKD1: BP4, BP7

PreventionGenetics, part of Exact Sciences
Classification: Likely benign for PKD1-related condition. Last evaluated: 2019-12-30. Review status: no assertion criteria provided. Collection method: clinical testing. Allele origin: germline. Not counted in ClinVar's aggregate classification.
Comment: This variant is classified as likely benign based on ACMG/AMP sequence variant interpretation guidelines (Richards et al. 2015 PMID: 25741868, with internal and published modifications).

NM_001009944.3(PKD1):c.5913G>A (p.Val1971=)

Gene: PKD1 (polycystin 1, transient receptor potential channel interacting; minus strand). Cytogenetic location: 16p13.3.
Variant type: single nucleotide variant.
Coding change: c.5913G>A on transcript NM_001009944.3 (MANE Select); coding-DNA position 5913, G replaced by A.
Protein change: p.Val1971=; no amino-acid change (valine 1971 retained).
Molecular consequence: synonymous variant.
Genome position (GRCh38, 1-based): chr16:2,109,254, C>T on the plus strand (G>A on the coding strand, the complement: PKD1 is on the minus strand). VCF-style: chr16-2109254-C-T. GRCh37 (hg19) VCF-style: chr16-2159255-C-T.
Other names: c.5913G>A, p.Val1971= (NM_000296.4).
Identifiers: ClinVar variation 2646014 (VCV002646014.27), dbSNP rs200626823, ClinGen allele CA7831802.
Genomic context (GRCh38, chr16:2,109,254, plus strand): 5'-GTTCCTCTCAGTGCCCGTGGCGATGCCAGGCTCGCAGCAGTTGGGCACCTGCAGCCCACT[C>T]ACGGCCTCCAGCACCACGATGCGCACCTGCGCCTGGGCCCAGCTCACGTGGTTTTTGCCC-3'
Protein context (NP_001009944.3, residues 1961-1981): AQVRIVVLEA[Val1971=]SGLQVPNCCE